The following is an entry in ClinVar:

ClinVar aggregate classification (germline): Likely benign. Review status: criteria provided, multiple submitters, no conflicts (2 of 4 stars). 2 submissions from 2 submitters: Likely benign (2). Last evaluated 2025-10-20.

Conditions:
Epileptic encephalopathy. Identifiers: MedGen C0543888, HP:0200134.

Allele frequency attached by ClinVar (database versions not stated): ESP Exome Variant Server 0.00016; 1000 Genomes Project 0.00020; ExAC 0.00028; gnomAD 0.00031 and 0.00033; TOPMed 0.00035; gnomAD exomes 0.00037 and 0.00055; 1000 Genomes Project 30x 0.00016.
gnomAD v4.1: 851 of 1,613,952 alleles (0.053%); highest among the groups gnomAD compares: South Asian, 0.097%; 3 homozygotes.

Submissions (2):

Labcorp Genetics (formerly Invitae), Labcorp
Classification: Likely benign for Epileptic encephalopathy. Last evaluated: 2025-10-20. Review status: criteria provided, single submitter. Criteria: Invitae Variant Classification Sherloc (09022015). Collection method: clinical testing. Allele origin: germline.

CeGaT Center for Human Genetics Tuebingen
Classification: Likely benign. Last evaluated: 2022-09-01. Review status: criteria provided, single submitter. Criteria: CeGaT Center For Human Genetics Tuebingen Variant Classification Criteria Version 2. Collection method: clinical testing. Allele origin: germline. Affected: yes. Observed: 2 variant alleles.
Comment: RYR3: BP4, BP7

NM_001036.6(RYR3):c.10971C>T (p.Asn3657=)

Gene: RYR3 (ryanodine receptor 3; plus strand). Cytogenetic location: 15q14.
Variant type: single nucleotide variant.
Coding change: c.10971C>T on transcript NM_001036.6 (MANE Select); coding-DNA position 10971, C replaced by T.
Protein change: p.Asn3657=; no amino-acid change (asparagine 3657 retained).
Molecular consequence: synonymous variant.
Genome position (GRCh38, 1-based): chr15:33,821,578, C>T. VCF-style: chr15-33821578-C-T. GRCh37 (hg19) VCF-style: chr15-34113779-C-T.
Other names: c.10956C>T, p.Asn3652= (NM_001243996.4).
Identifiers: ClinVar variation 461836 (VCV000461836.35), dbSNP rs371629185, ClinGen allele CA7461061.
Genomic context (GRCh38, chr15:33,821,578, plus strand): 5'-GGCAGGTGAGATGAGCCCCATGGTGGTTGAGACGCTGAAGCTGGGGATCGCCATTCTGAA[C>T]GGAGGCAATGCTGGTGTGCAACAGGTAACGGGAACTTGCAGCGGCTGGGCAGGCTCCCGG-3'
Protein context (NP_001027.3, residues 3647-3667): ETLKLGIAIL[Asn3657=]GGNAGVQQKM